The following is an entry in ClinVar:

ClinVar aggregate classification (germline): Benign (1 of 4 stars; one submission).

Allele frequency attached by ClinVar (database versions not stated): 1000 Genomes Project 0.33526; 1000 Genomes Project 30x 0.33963; gnomAD 0.41545 and 0.41817; TOPMed 0.42745; gnomAD exomes 0.47633.
gnomAD v4.1: 337,780 of 727,172 alleles (46%); highest among the groups gnomAD compares: Admixed American, 57%; 84,115 homozygotes.

Submission:

GeneDx
Classification: Benign. Last evaluated: 2018-06-14. Review status: criteria provided, single submitter. Criteria: GeneDx Variant Classification (06012015). Collection method: clinical testing. Allele origin: germline. Affected: yes.
Comment: This variant is considered likely benign or benign based on one or more of the following criteria: it is a conservative change, it occurs at a poorly conserved position in the protein, it is predicted to be benign by multiple in silico algorithms, and/or has population frequency not consistent with disease.

NM_006073.4(TRDN):c.1870+109G>A

Gene: TRDN (triadin; minus strand). Cytogenetic location: 6q22.31.
Variant type: single nucleotide variant.
Coding change: c.1870+109G>A on transcript NM_006073.4 (MANE Select); 109 bases into the intron after coding-DNA position 1870, G replaced by A.
Molecular consequence: intron variant.
Genome position (GRCh38, 1-based): chr6:123,259,515, C>T on the plus strand (G>A on the coding strand, the complement: TRDN is on the minus strand). VCF-style: chr6-123259515-C-T. GRCh37 (hg19) VCF-style: chr6-123580660-C-T.
Identifiers: ClinVar variation 674826 (VCV000674826.1), dbSNP rs12661887, ClinGen allele CA147228169.